The following is an entry in ClinVar:

ClinVar aggregate classification (germline): Uncertain significance (1 of 4 stars; one submission).

Conditions:
Cardiovascular phenotype. Identifiers: MedGen CN230736.

Submission:

Ambry Genetics
Classification: Uncertain significance for Cardiovascular phenotype. Last evaluated: 2025-05-02. Review status: criteria provided, single submitter. Criteria: Ambry Variant Classification Scheme 2023. Collection method: clinical testing. Allele origin: germline.
Comment: The p.F831S variant (also known as c.2492T>C), located in coding exon 21 of the JAG1 gene, results from a T to C substitution at nucleotide position 2492. The phenylalanine at codon 831 is replaced by serine, an amino acid with highly dissimilar properties. This amino acid position is conserved. In addition, the in silico prediction for this alteration is inconclusive. Based on the available evidence, the clinical significance of this variant remains unclear.

NM_000214.3(JAG1):c.2492T>C (p.Phe831Ser)

Gene: JAG1 (jagged canonical Notch ligand 1; minus strand). Cytogenetic location: 20p12.2.
Variant type: single nucleotide variant.
Coding change: c.2492T>C on transcript NM_000214.3 (MANE Select); coding-DNA position 2492, T replaced by C.
Protein change: p.Phe831Ser; replaces phenylalanine 831 with serine.
Molecular consequence: missense variant.
Genome position (GRCh38, 1-based): chr20:10,642,568, A>G on the plus strand (T>C on the coding strand, the complement: JAG1 is on the minus strand). VCF-style: chr20-10642568-A-G. GRCh37 (hg19) VCF-style: chr20-10623216-A-G.
Other names: short protein forms F831S.
Identifiers: ClinVar variation 4040690 (VCV004040690.1).